The following is an entry in ClinVar:

ClinVar aggregate classification (germline): Benign/Likely benign. Review status: criteria provided, multiple submitters, no conflicts (2 of 4 stars). 6 submissions from 6 submitters: Benign (1); Likely benign (4). 1 of the submissions does not count toward it. Last evaluated 2026-07-01.

Conditions:
Cardiovascular phenotype. Identifiers: MedGen CN230736.
JAG1-related disorder. Also called: JAG1-related disorders; JAG1-related condition.
Alagille syndrome due to a JAG1 point mutation. Also called: JAG1-Related Alagille Syndrome; HEPATIC DUCTULAR HYPOPLASIA, SYNDROMATIC; Alagille Syndrome 1. Identifiers: Orphanet 261619, Orphanet 52, MedGen C1956125, MONDO:0016862, OMIM 118450.
Charcot-Marie-Tooth disease, axonal, Type 2HH. Also called: CHARCOT-MARIE-TOOTH NEUROPATHY, TYPE 2HH. Identifiers: MedGen C5562003, MONDO:0030458, OMIM 619574.
Deafness, congenital heart defects, and posterior embryotoxon (DCHE). Identifiers: MedGen C1866053, MONDO:0060713, OMIM 617992.
Tetralogy of Fallot (TOF). Identifiers: Orphanet 3303, MedGen C0039685, MONDO:0008542, OMIM 187500, HP:0001636.

Allele frequency attached by ClinVar (database versions not stated): gnomAD 0.00006 and 0.00003; TOPMed 0.00010; ExAC 0.00011; gnomAD exomes 0.00012; 1000 Genomes Project 30x 0.00062; 1000 Genomes Project 0.00080.
gnomAD v4.1: 61 of 1,614,186 alleles (0.0038%); highest among the groups gnomAD compares: East Asian, 0.087%; no homozygotes.

Submissions (6):

CeGaT Center for Human Genetics Tuebingen
Classification: Likely benign. Last evaluated: 2026-07-01. Review status: criteria provided, single submitter. Criteria: CeGaT Center For Human Genetics Tuebingen Variant Classification Criteria Version 2. Collection method: clinical testing. Allele origin: germline. Affected: yes. Observed: 2 variant alleles.
Comment: JAG1: BP4, BP7

Labcorp Genetics (formerly Invitae), Labcorp
Classification: Benign for Alagille syndrome due to a JAG1 point mutation. Last evaluated: 2026-01-12. Review status: criteria provided, single submitter. Criteria: Invitae Variant Classification Sherloc (09022015). Collection method: clinical testing. Allele origin: germline.

Blueprint Genetics
Classification: Likely benign. Last evaluated: 2023-08-23. Review status: criteria provided, single submitter. Criteria: ACMG Guidelines, 2015. Collection method: clinical testing. Allele origin: germline.

Fulgent Genetics
Classification: Likely benign for Alagille syndrome due to a JAG1 point mutation; Tetralogy of Fallot; Deafness, congenital heart defects, and posterior embryotoxon; Charcot-Marie-Tooth disease, axonal, Type 2HH. Last evaluated: 2021-12-26. Review status: criteria provided, single submitter. Criteria: ACMG Guidelines, 2015. Collection method: clinical testing. Allele origin: unknown.

Ambry Genetics
Classification: Likely benign for Cardiovascular phenotype. Last evaluated: 2019-12-30. Review status: criteria provided, single submitter. Criteria: Ambry Variant Classification Scheme 2023. Collection method: clinical testing. Allele origin: germline.

PreventionGenetics, part of Exact Sciences
Classification: Likely benign for JAG1-related condition. Last evaluated: 2020-02-19. Review status: no assertion criteria provided. Collection method: clinical testing. Allele origin: germline. Not counted in ClinVar's aggregate classification.
Comment: This variant is classified as likely benign based on ACMG/AMP sequence variant interpretation guidelines (Richards et al. 2015 PMID: 25741868, with internal and published modifications).

NM_000214.3(JAG1):c.3141G>A (p.Ser1047=)

Gene: JAG1 (jagged canonical Notch ligand 1; minus strand). Cytogenetic location: 20p12.2.
Variant type: single nucleotide variant.
Coding change: c.3141G>A on transcript NM_000214.3 (MANE Select); coding-DNA position 3141, G replaced by A.
Protein change: p.Ser1047=; no amino-acid change (serine 1047 retained).
Molecular consequence: synonymous variant.
Genome position (GRCh38, 1-based): chr20:10,640,841, C>T on the plus strand (G>A on the coding strand, the complement: JAG1 is on the minus strand). VCF-style: chr20-10640841-C-T. GRCh37 (hg19) VCF-style: chr20-10621489-C-T.
Identifiers: ClinVar variation 1168106 (VCV001168106.17), dbSNP rs202075581, ClinGen allele CA9764271.
Genomic context (GRCh38, chr20:10,640,841, plus strand): 5'-ACCTGTTCTGTTCTTCAGAGGCCGCCTCTGAACTCTTACTTCTGCAACGGCAGCAATCAG[C>T]GAGCTGTTTCCATCACGTTTACTAACAAGATCGATTATTTTGTCAGTGATTTCCTTGATC-3'
Protein context (NP_000205.1, residues 1037-1057): DLVSKRDGNS[Ser1047=]LIAAVAEVRV